The following is an entry in ClinVar:

NM_001023.4(RPS20):c.177+2T>C

Gene: RPS20 (ribosomal protein S20; minus strand). Cytogenetic location: 8q12.1.
Variant type: single nucleotide variant.
Coding change: c.177+2T>C on transcript NM_001023.4 (MANE Select); the canonical splice donor site of the intron after coding-DNA position 177, T replaced by C.
Molecular consequence: splice donor variant.
Genome position (GRCh38, 1-based): chr8:56,073,693, A>G on the plus strand (T>C on the coding strand, the complement: RPS20 is on the minus strand). VCF-style: chr8-56073693-A-G. GRCh37 (hg19) VCF-style: chr8-56986252-A-G.
Other names: c.177+2T>C (NM_001146227.3).
Identifiers: ClinVar variation 2027934 (VCV002027934.4), dbSNP rs2486983844, ClinGen allele CA371283476.

ClinVar aggregate classification (germline): Uncertain significance (1 of 4 stars; one submission).

Submission:

Labcorp Genetics (formerly Invitae), Labcorp
Classification: Uncertain significance. Last evaluated: 2022-08-30. Review status: criteria provided, single submitter. Criteria: Invitae Variant Classification Sherloc (09022015). Collection method: clinical testing. Allele origin: germline.
Comment: Variants that disrupt the consensus splice site are a relatively common cause of aberrant splicing (PMID: 17576681, 9536098). Algorithms developed to predict the effect of sequence changes on RNA splicing suggest that this variant may disrupt the consensus splice site. This variant has not been reported in the literature in individuals affected with RPS20-related conditions. This variant is not present in population databases (gnomAD no frequency). This sequence change falls in intron 3 of the RPS20 gene. It does not directly change the encoded amino acid sequence of the RPS20 protein. It affects a nucleotide within the consensus splice site. In summary, the available evidence is currently insufficient to determine the role of this variant in disease. Therefore, it has been classified as a Variant of Uncertain Significance.

Literature cited by the submitters: PubMed 17576681; PubMed 9536098.